The following is an entry in ClinVar:

NM_000512.5(GALNS):c.828C>G (p.His276Gln)

Gene: GALNS (galactosamine (N-acetyl)-6-sulfatase; minus strand). Cytogenetic location: 16q24.3.
Variant type: single nucleotide variant.
Coding change: c.828C>G on transcript NM_000512.5 (MANE Select); coding-DNA position 828, C replaced by G.
Protein change: p.His276Gln; replaces histidine 276 with glutamine.
Molecular consequence: missense variant.
Genome position (GRCh38, 1-based): chr16:88,835,283, G>C on the plus strand (C>G on the coding strand, the complement: GALNS is on the minus strand). VCF-style: chr16-88835283-G-C. GRCh37 (hg19) VCF-style: chr16-88901691-G-C.
Other names: c.273C>G, p.His91Gln (NM_001323543.2); c.846C>G, p.His282Gln (NM_001323544.2); short protein forms H282Q, H91Q, H276Q.
Identifiers: ClinVar variation 1495619 (VCV001495619.3), dbSNP rs759216815, ClinGen allele CA397076276.
Genomic context (GRCh38, chr16:88,835,283, plus strand): 5'-GGCGGAAATGAGGGCAGCGCCGTTGTCCGACGTGAAGAAGACGAAGGTGTTGTCCGCGAC[G>C]TGCAGGTCTTGGAGGAGCTCCAGTATCTTCCCAATGCTGTCATCAATCTCCCGGACGGCG-3'
Protein context (NP_000503.1, residues 266-286): GKILELLQDL[His276Gln]VADNTFVFFT

ClinVar aggregate classification (germline): Uncertain significance (1 of 4 stars; one submission).

Conditions:
Mucopolysaccharidosis, MPS-IV-A (MPS4A). Also called: MPS IVA; GALACTOSAMINE-6-SULFATASE DEFICIENCY; GALNS DEFICIENCY; MORQUIO A DISEASE; Morquio syndrome A, mild; MORQUIO SYNDROME A. Identifiers: Orphanet 309297, Orphanet 582, MedGen C0086651, MONDO:0009659, OMIM 253000.

Submission:

Labcorp Genetics (formerly Invitae), Labcorp
Classification: Uncertain significance for Mucopolysaccharidosis, MPS-IV-A. Last evaluated: 2021-10-10. Review status: criteria provided, single submitter. Criteria: Invitae Variant Classification Sherloc (09022015). Collection method: clinical testing. Allele origin: germline.
Comment: This sequence change replaces histidine with glutamine at codon 276 of the GALNS protein (p.His276Gln). The histidine residue is weakly conserved and there is a small physicochemical difference between histidine and glutamine. This variant is not present in population databases (ExAC no frequency). This variant has not been reported in the literature in individuals affected with GALNS-related conditions. Advanced modeling of protein sequence and biophysical properties (such as structural, functional, and spatial information, amino acid conservation, physicochemical variation, residue mobility, and thermodynamic stability) performed at Invitae indicates that this missense variant is not expected to disrupt GALNS protein function. Algorithms developed to predict the effect of sequence changes on RNA splicing suggest that this variant may create or strengthen a splice site. In summary, the available evidence is currently insufficient to determine the role of this variant in disease. Therefore, it has been classified as a Variant of Uncertain Significance.